The following is an entry in ClinVar:

ClinVar aggregate classification (germline): Pathogenic (1 of 4 stars; one submission).

Conditions:
BAP1-related tumor predisposition syndrome (TPDS1). Also called: COMMON Syndrome; TUMOR PREDISPOSITION SYNDROME 1; BAP1 tumor predisposition syndrome; Tumor susceptibility linked to germline BAP1 mutations. Identifiers: Orphanet 289539, MedGen C3280492, MONDO:0013692, OMIM 614327.

Submission:

Labcorp Genetics (formerly Invitae), Labcorp
Classification: Pathogenic for Tumor susceptibility linked to germline BAP1 mutations. Last evaluated: 2019-10-21. Review status: criteria provided, single submitter. Criteria: Invitae Variant Classification Sherloc (09022015). Collection method: clinical testing. Allele origin: germline.
Comment: A gross deletion of the genomic region encompassing the full coding sequence of the BAP1 gene has been identified. The boundaries of this event are unknown as the deletion extends beyond the assayed region for this gene and therefore may encompass additional genes. Deletions of the entire BAP1 gene have not been reported in the literature in individuals with BAP1-related disease. Loss-of-function variants in BAP1 are known to be pathogenic (PMID: 21874000, 23684012). For these reasons, this variant has been classified as Pathogenic.

NC_000003.11:g.(?_52436298)_(52443900_?)del

Gene: BAP1 (BRCA1 associated deubiquitinase 1; minus strand). Cytogenetic location: 3p21.1.
Variant type: Deletion.
Identifiers: ClinVar variation 472655 (VCV000472655.2).